The following is an entry in ClinVar:

NM_000179.3(MSH6):c.1664_1674del (p.Ala555fs)

Gene: MSH6 (mutS homolog 6; plus strand). Cytogenetic location: 2p16.3.
Variant type: Deletion.
Coding change: c.1664_1674del on transcript NM_000179.3 (MANE Select); coding-DNA positions 1664 to 1674, 11 bases deleted (CATATGGTGTG).
Protein change: p.Ala555fs; shifts the reading frame from alanine 555.
Molecular consequence: frameshift variant. On other transcripts: non-coding transcript variant (4), intron variant (2).
Genome position (GRCh38, 1-based): chr2:47,799,647-47,799,657, CATATGGTGTG deleted; deleting any 11 consecutive bases within chr2:47,799,644-47,799,657 gives the same sequence; the c. name uses the placement nearest the transcript's 3' end. VCF-style (leftmost placement, unchanged base first): chr2-47799643-CGTGCATATGGT-C. GRCh37 (hg19) VCF-style: chr2-48026782-CGTGCATATGGT-C.
Other names: c.1274_1284del, p.Ala425fs (NM_001281492.2); c.758_768del, p.Ala253fs (NM_001281493.2, NM_001281494.2, NM_001406811.1 and 6 more transcripts); c.1760_1770del, p.Ala587fs (NM_001406795.1, NM_001406802.1); c.1664_1674del, p.Ala555fs (NM_001406796.1, NM_001406798.1, NM_001406800.1 and 3 more transcripts); c.1367_1377del, p.Ala456fs (NM_001406797.1, NM_001406801.1, NM_001406805.1 and 10 more transcripts); c.1139_1149del, p.Ala380fs (NM_001406799.1, NM_001406806.1, NM_001406807.1); c.1586_1596del, p.Ala529fs (NM_001406804.1); c.1670_1680del, p.Ala557fs (NM_001406813.1); and 3 more; short protein forms A380fs, A557fs, A253fs, A425fs, A529fs, A555fs, A587fs, A499fs.
Identifiers: ClinVar variation 2748787 (VCV002748787.3), dbSNP rs2530623045, ClinGen allele CA2697548144.
Genomic context (GRCh38, chr2:47,799,643, plus strand): 5'-AACTACAGTAAGTATCTTCTTAGCCTCAAAGAAAAAGAGGAAGATTCTTCTGGCCATACT[CGTGCATATGGT>C]GTGTGCTTTGTTGATACTTCACTGGGAAAGTTTTTCATAGGTCAGTTTTCAGATGATCGC-3'

ClinVar aggregate classification (germline): Pathogenic (1 of 4 stars; one submission).

Conditions:
Hereditary nonpolyposis colorectal neoplasms. Identifiers: MedGen C0009405, MeSH D003123.

Submission:

Labcorp Genetics (formerly Invitae), Labcorp
Classification: Pathogenic for Hereditary nonpolyposis colorectal neoplasms. Last evaluated: 2023-07-31. Review status: criteria provided, single submitter. Criteria: Invitae Variant Classification Sherloc (09022015). Collection method: clinical testing. Allele origin: germline.
Comment: This sequence change creates a premature translational stop signal (p.Ala555Valfs*4) in the MSH6 gene. It is expected to result in an absent or disrupted protein product. Loss-of-function variants in MSH6 are known to be pathogenic (PMID: 18269114, 24362816). This variant is not present in population databases (gnomAD no frequency). This variant has not been reported in the literature in individuals affected with MSH6-related conditions. For these reasons, this variant has been classified as Pathogenic.

Literature cited by the submitters: PubMed 18269114; PubMed 24362816.